The following is an entry in ClinVar:

ClinVar aggregate classification (germline): Uncertain significance (1 of 4 stars; one submission).

Conditions:
Inborn genetic diseases. Identifiers: MedGen C0950123, MeSH D030342.

Submission:

Ambry Genetics
Classification: Uncertain significance for Inborn genetic diseases. Last evaluated: 2026-07-26. Review status: criteria provided, single submitter. Criteria: Ambry Variant Classification Scheme 2023. Collection method: clinical testing. Allele origin: germline.
Comment: The p.Y1263S variant (also known as c.3788A>C), located in coding exon 14 of the FANCM gene, results from an A to C substitution at nucleotide position 3788. The tyrosine at codon 1263 is replaced by serine, an amino acid with dissimilar properties. This amino acid position is conserved. In addition, this alteration is predicted to be tolerated by in silico analysis. Based on the available evidence, the clinical significance of this variant remains unclear.

NM_020937.4(FANCM):c.3788A>C (p.Tyr1263Ser)

Gene: FANCM (FA complementation group M; plus strand). Cytogenetic location: 14q21.2.
Variant type: single nucleotide variant.
Coding change: c.3788A>C on transcript NM_020937.4 (MANE Select); coding-DNA position 3788, A replaced by C.
Protein change: p.Tyr1263Ser; replaces tyrosine 1263 with serine.
Molecular consequence: missense variant.
Genome position (GRCh38, 1-based): chr14:45,176,542, A>C. VCF-style: chr14-45176542-A-C. GRCh37 (hg19) VCF-style: chr14-45645745-A-C.
Other names: c.3710A>C, p.Tyr1237Ser (NM_001308133.2); short protein forms Y1237S, Y1263S.
Identifiers: ClinVar variation 5036647 (VCV005036647.1).